The following is an entry in ClinVar:

NM_025132.4(WDR19):c.2429A>G (p.Asp810Gly)

Gene: WDR19 (WD repeat domain 19; plus strand). Cytogenetic location: 4p14.
Variant type: single nucleotide variant.
Coding change: c.2429A>G on transcript NM_025132.4 (MANE Select); coding-DNA position 2429, A replaced by G.
Protein change: p.Asp810Gly; replaces aspartic acid 810 with glycine.
Molecular consequence: missense variant.
Genome position (GRCh38, 1-based): chr4:39,244,255, A>G. VCF-style: chr4-39244255-A-G. GRCh37 (hg19) VCF-style: chr4-39245875-A-G.
Other names: c.1949A>G, p.Asp650Gly (NM_001317924.2); short protein forms D810G, D650G.
Identifiers: ClinVar variation 348743 (VCV000348743.8), dbSNP rs886059400, ClinGen allele CA10617734.
Genomic context (GRCh38, chr4:39,244,255, plus strand): 5'-CACATCGTGTTAAGCTAGAATCTGATTTGTTAGTGTTTGCCTTGTGATTGCAGGAACATG[A>G]TGAAGCTTGTCTGGCTGGAGTGGCCCAGATGTCCATAAGAATGGGAGACATACGTCGAGG-3'
Protein context (NP_079408.3, residues 800-820): KGITGDNKEH[Asp810Gly]EACLAGVAQM

ClinVar aggregate classification (germline): Uncertain significance. Review status: criteria provided, multiple submitters, no conflicts (2 of 4 stars). 5 submissions from 4 submitters: Uncertain significance (5). Last evaluated 2025-10-04.

Conditions:
Asphyxiating thoracic dystrophy 5 (SRTD5). Also called: SHORT-RIB THORACIC DYSPLASIA 5 WITH OR WITHOUT POLYDACTYLY; SHORT-RIB THORACIC DYSPLASIA 5 WITHOUT POLYDACTYLY. Identifiers: Orphanet 474, MedGen C3280598, MONDO:0013717, OMIM 614376.
Nephronophthisis 13 (NPHP13). Identifiers: Orphanet 655, MedGen C3280612, MONDO:0013718, OMIM 614377.
Cranioectodermal dysplasia 4 (CED4). Identifiers: Orphanet 1515, MedGen C3280616, MONDO:0013719, OMIM 614378.
Senior-Loken syndrome 8 (SLSN8). Identifiers: Orphanet 3156, MedGen C4225376, MONDO:0014579, OMIM 616307.
Spermatogenic failure 72 (SPGF72). Identifiers: MedGen C5676980, MONDO:0030809, OMIM 619867.

Allele frequency attached by ClinVar (database versions not stated): gnomAD exomes below 0.00001.
gnomAD v4.1: 2 of 1,611,028 alleles (0.00012%); highest among the groups gnomAD compares: Non-Finnish European, 0.00017%; no homozygotes.

Submissions (5):

Labcorp Genetics (formerly Invitae), Labcorp
Classification: Uncertain significance for Senior-Loken syndrome 8; Asphyxiating thoracic dystrophy 5. Last evaluated: 2025-10-04. Review status: criteria provided, single submitter. Criteria: Invitae Variant Classification Sherloc (09022015). Collection method: clinical testing. Allele origin: germline.
Comment: This sequence change replaces aspartic acid, which is acidic and polar, with glycine, which is neutral and non-polar, at codon 810 of the WDR19 protein (p.Asp810Gly). This variant is present in population databases (no rsID available, gnomAD 0.0009%). This variant has not been reported in the literature in individuals affected with WDR19-related conditions. ClinVar contains an entry for this variant (Variation ID: 348743). Invitae Evidence Modeling of protein sequence and biophysical properties (such as structural, functional, and spatial information, amino acid conservation, physicochemical variation, residue mobility, and thermodynamic stability) has been performed for this missense variant. However, the output from this modeling did not meet the statistical confidence thresholds required to predict the impact of this variant on WDR19 protein function. In summary, the available evidence is currently insufficient to determine the role of this variant in disease. Therefore, it has been classified as a Variant of Uncertain Significance.

Fulgent Genetics
Classification: Uncertain significance for Asphyxiating thoracic dystrophy 5; Nephronophthisis 13; Cranioectodermal dysplasia 4; Senior-Loken syndrome 8; Spermatogenic failure 72. Last evaluated: 2021-11-19. Review status: criteria provided, single submitter. Criteria: ACMG Guidelines, 2015. Collection method: clinical testing. Allele origin: unknown.

Blueprint Genetics
Classification: Uncertain significance. Last evaluated: 2020-11-27. Review status: criteria provided, single submitter. Criteria: ACMG Guidelines, 2015. Collection method: clinical testing. Allele origin: germline.

Illumina Laboratory Services, Illumina
Classification: Uncertain significance for Cranioectodermal dysplasia 4. Last evaluated: 2018-01-12. Review status: criteria provided, single submitter. Criteria: ICSL Variant Classification Criteria 13 December 2019. Collection method: clinical testing. Allele origin: germline.

Illumina Laboratory Services, Illumina
Classification: Uncertain significance for Asphyxiating thoracic dystrophy 5. Last evaluated: 2018-01-12. Review status: criteria provided, single submitter. Criteria: ICSL Variant Classification Criteria 13 December 2019. Collection method: clinical testing. Allele origin: germline.